The following is an entry in ClinVar:

NM_018489.3(ASH1L):c.7945A>G (p.Ile2649Val)

Gene: ASH1L (ASH1 like histone lysine methyltransferase; minus strand). Cytogenetic location: 1q22.
Variant type: single nucleotide variant.
Coding change: c.7945A>G on transcript NM_018489.3 (MANE Select); coding-DNA position 7945, A replaced by G.
Protein change: p.Ile2649Val; replaces isoleucine 2649 with valine.
Molecular consequence: missense variant.
Genome position (GRCh38, 1-based): chr1:155,344,219, T>C on the plus strand (A>G on the coding strand, the complement: ASH1L is on the minus strand). VCF-style: chr1-155344219-T-C. GRCh37 (hg19) VCF-style: chr1-155314010-T-C.
Other names: c.7960A>G, p.Ile2654Val (NM_001366177.2); short protein forms I2649V, I2654V.
Identifiers: ClinVar variation 4686766 (VCV004686766.1).
Genomic context (GRCh38, chr1:155,344,219, plus strand): 5'-TAGGATTAGCTCCTGTATACATACCCTGACGAAGCAGCAAGTCATCTCGGAGCAAACAGA[T>C]GAAGTAGACACAGCCAGGTTGGGCATAGTGGGGCCGAGGGATCATGGGAACCTCCTGATA-3'
Protein context (NP_060959.2, residues 2639-2659): HYAQPGCVYF[Ile2649Val]CLLRDDLLLR

ClinVar aggregate classification (germline): Uncertain significance (1 of 4 stars; one submission).

Submission:

GeneDx
Classification: Uncertain significance. Last evaluated: 2025-07-21. Review status: criteria provided, single submitter. Criteria: GeneDx Variant Classification Process June 2021. Collection method: clinical testing. Allele origin: germline. Affected: yes.
Comment: Not observed at significant frequency in large population cohorts (gnomAD); In silico analysis supports that this missense variant does not alter protein structure/function; Has not been previously published as pathogenic or benign to our knowledge